The following is an entry in ClinVar:

NM_003327.4(TNFRSF4):c.668T>C (p.Leu223Pro)

Gene: TNFRSF4 (TNF receptor superfamily member 4; minus strand). Cytogenetic location: 1p36.33.
Variant type: single nucleotide variant.
Coding change: c.668T>C on transcript NM_003327.4 (MANE Select); coding-DNA position 668, T replaced by C.
Protein change: p.Leu223Pro; replaces leucine 223 with proline.
Molecular consequence: missense variant.
Genome position (GRCh38, 1-based): chr1:1,211,799, A>G on the plus strand (T>C on the coding strand, the complement: TNFRSF4 is on the minus strand). VCF-style: chr1-1211799-A-G. GRCh37 (hg19) VCF-style: chr1-1147179-A-G.
Other names: c.668T>C (NM_003327.3); short protein forms L223P.
Identifiers: ClinVar variation 1491481 (VCV001491481.9), dbSNP rs761837798, ClinGen allele CA512372.

ClinVar aggregate classification (germline): Uncertain significance. Review status: criteria provided, multiple submitters, no conflicts (2 of 4 stars). 2 submissions from 2 submitters: Uncertain significance (2). Last evaluated 2025-07-28.

Conditions:
Combined immunodeficiency due to OX40 deficiency. Also called: OX40 DEFICIENCY; Immunodeficiency 16. Identifiers: Orphanet 431149, MedGen C3810053, MONDO:0014268, OMIM 615593.

Allele frequency attached by ClinVar (database versions not stated): gnomAD exomes below 0.00001 and 0.00001; gnomAD 0.00001.

Submissions (2):

Labcorp Genetics (formerly Invitae), Labcorp
Classification: Uncertain significance for Combined immunodeficiency due to OX40 deficiency. Last evaluated: 2025-07-28. Review status: criteria provided, single submitter. Criteria: Invitae Variant Classification Sherloc (09022015). Collection method: clinical testing. Allele origin: germline.
Comment: This sequence change replaces leucine, which is neutral and non-polar, with proline, which is neutral and non-polar, at codon 223 of the TNFRSF4 protein (p.Leu223Pro). The frequency data for this variant in the population databases is considered unreliable, as metrics indicate poor data quality at this position in the gnomAD database. This variant has not been reported in the literature in individuals affected with TNFRSF4-related conditions. ClinVar contains an entry for this variant (Variation ID: 1491481). Invitae Evidence Modeling of protein sequence and biophysical properties (such as structural, functional, and spatial information, amino acid conservation, physicochemical variation, residue mobility, and thermodynamic stability) has been performed for this missense variant. However, the output from this modeling did not meet the statistical confidence thresholds required to predict the impact of this variant on TNFRSF4 protein function. In summary, the available evidence is currently insufficient to determine the role of this variant in disease. Therefore, it has been classified as a Variant of Uncertain Significance.

Ambry Genetics
Classification: Uncertain significance. Last evaluated: 2025-05-19. Review status: criteria provided, single submitter. Criteria: Ambry Variant Classification Scheme 2023. Collection method: clinical testing. Allele origin: germline.